The following is an entry in ClinVar:

NM_172250.3(MMAA):c.803G>T (p.Gly268Val)

Gene: MMAA (metabolism of cobalamin associated A; plus strand). Cytogenetic location: 4q31.21.
Variant type: single nucleotide variant.
Coding change: c.803G>T on transcript NM_172250.3 (MANE Select); coding-DNA position 803, G replaced by T.
Protein change: p.Gly268Val; replaces glycine 268 with valine.
Molecular consequence: missense variant.
Genome position (GRCh38, 1-based): chr4:145,651,131, G>T. VCF-style: chr4-145651131-G-T. GRCh37 (hg19) VCF-style: chr4-146572283-G-T.
Other names: c.803G>T, p.Gly268Val (NM_001375644.1); short protein forms G268V.
Identifiers: ClinVar variation 3707704 (VCV003707704.1).

ClinVar aggregate classification (germline): Uncertain significance (1 of 4 stars; one submission).

Conditions:
Methylmalonic aciduria, cblA type (MACA). Also called: Vitamin B12-responsive methylmalonic acidemia type cblA; Methylmalonic aciduria, vitamin b12-responsive, due to defect in synthesis of adenosylcobalamin, cbla complementation type; MMA cbl A type; Methylmalonic acidemia cblA type; Methylmalonic aciduria, vitamin B12-responsive. Identifiers: Orphanet 28, Orphanet 79310, MedGen C1855109, MONDO:0009613, OMIM 251100.

gnomAD v4.1: 4 of 1,613,810 alleles (0.00025%); highest among the groups gnomAD compares: East Asian, 0.0067%; no homozygotes.

Submission:

Labcorp Genetics (formerly Invitae), Labcorp
Classification: Uncertain significance for Methylmalonic aciduria, cblA type. Last evaluated: 2024-10-16. Review status: criteria provided, single submitter. Criteria: Invitae Variant Classification Sherloc (09022015). Collection method: clinical testing. Allele origin: germline.
Comment: This sequence change replaces glycine, which is neutral and non-polar, with valine, which is neutral and non-polar, at codon 268 of the MMAA protein (p.Gly268Val). This variant is present in population databases (rs764675342, gnomAD 0.01%). This variant has not been reported in the literature in individuals affected with MMAA-related conditions. Invitae Evidence Modeling of protein sequence and biophysical properties (such as structural, functional, and spatial information, amino acid conservation, physicochemical variation, residue mobility, and thermodynamic stability) indicates that this missense variant is expected to disrupt MMAA protein function with a positive predictive value of 80%. In summary, the available evidence is currently insufficient to determine the role of this variant in disease. Therefore, it has been classified as a Variant of Uncertain Significance.